The following is an entry in ClinVar:

NM_000540.3(RYR1):c.199G>C (p.Val67Leu)

Gene: RYR1 (ryanodine receptor 1; plus strand). Cytogenetic location: 19q13.2.
Variant type: single nucleotide variant.
Coding change: c.199G>C on transcript NM_000540.3 (MANE Select); coding-DNA position 199, G replaced by C.
Protein change: p.Val67Leu; replaces valine 67 with leucine.
Molecular consequence: missense variant.
Genome position (GRCh38, 1-based): chr19:38,442,382, G>C. VCF-style: chr19-38442382-G-C. GRCh37 (hg19) VCF-style: chr19-38933022-G-C.
Other names: c.199G>C, p.Val67Leu (NM_001042723.2); short protein forms V67L.
Identifiers: ClinVar variation 3074479 (VCV003074479.1), dbSNP rs761182247, ClinGen allele CA405673907.

ClinVar aggregate classification (germline): Uncertain significance (1 of 4 stars; one submission).

Conditions:
Malignant hyperthermia, susceptibility to, 1 (MHS1). Also called: Anesthesia related hyperthermia; Malignant hyperpyrexia; Fulminating hyperpyrexia; Pharmacogenic myopathy; RYR1-Related Malignant Hyperthermia Susceptibility; Malignant hyperthermia suceptibility 1. Identifiers: Orphanet 423, MedGen C2930980, MONDO:0007783, OMIM 145600.

Submission:

All of Us Research Program, National Institutes of Health
Classification: Uncertain significance for Malignant hyperthermia, susceptibility to, 1. Last evaluated: 2023-11-20. Review status: criteria provided, single submitter. Criteria: ACMG Guidelines, 2015. Collection method: clinical testing. Allele origin: germline. Inheritance: Autosomal dominant inheritance. Observed: 1 variant allele, 1 heterozygote.
Comment: This missense variant replaces valine with leucine at codon 67 of the RYR1 protein. Computational prediction suggests that this variant may not impact protein structure and function (internally defined REVEL score threshold <= 0.5, PMID: 27666373). To our knowledge, functional studies have not been reported for this variant. This variant has not been reported in individuals affected with RYR1-related disorders in the literature. This variant has not been identified in the general population by the Genome Aggregation Database (gnomAD). The available evidence is insufficient to determine the role of this variant in disease conclusively. Therefore, this variant is classified as a Variant of Uncertain Significance.

This study involves interpretation of variants in research participants for the purpose of population health screening. Participant phenotype was not available at the time of variant classification. Additional details can be found in publication PMID: 35346344, PMCID: PMC8962531